The following is an entry in ClinVar:

ClinVar aggregate classification (germline): Uncertain significance (1 of 4 stars; one submission).

Submission:

Labcorp Genetics (formerly Invitae), Labcorp
Classification: Uncertain significance. Last evaluated: 2021-01-12. Review status: criteria provided, single submitter. Criteria: Invitae Variant Classification Sherloc (09022015). Collection method: clinical testing. Allele origin: germline.
Comment: Algorithms developed to predict the effect of missense changes on protein structure and function are either unavailable or do not agree on the potential impact of this missense change (SIFT: "Deleterious"; PolyPhen-2: "Benign"; Align-GVGD: "Class C0"). In summary, the available evidence is currently insufficient to determine the role of this variant in disease. Therefore, it has been classified as a Variant of Uncertain Significance. This variant has not been reported in the literature in individuals with SETBP1-related conditions. This sequence change replaces serine with threonine at codon 305 of the SETBP1 protein (p.Ser305Thr). The serine residue is highly conserved and there is a small physicochemical difference between serine and threonine. This variant is not present in population databases (ExAC no frequency).

NM_015559.3(SETBP1):c.913T>A (p.Ser305Thr)

Gene: SETBP1 (SET binding protein 1; plus strand). Cytogenetic location: 18q12.3.
Variant type: single nucleotide variant.
Coding change: c.913T>A on transcript NM_015559.3 (MANE Select); coding-DNA position 913, T replaced by A.
Protein change: p.Ser305Thr; replaces serine 305 with threonine.
Molecular consequence: missense variant.
Genome position (GRCh38, 1-based): chr18:44,950,253, T>A. VCF-style: chr18-44950253-T-A. GRCh37 (hg19) VCF-style: chr18-42530218-T-A.
Other names: c.913T>A, p.Ser305Thr (NM_001379141.1, NM_001379142.1); short protein forms S305T.
Identifiers: ClinVar variation 1364378 (VCV001364378.8), dbSNP rs2145094436, ClinGen allele CA402317102.